The following is an entry in ClinVar:

NM_016239.4(MYO15A):c.5593G>A (p.Val1865Met)

Gene: MYO15A (myosin XVA; plus strand). Cytogenetic location: 17p11.2.
Variant type: single nucleotide variant.
Coding change: c.5593G>A on transcript NM_016239.4 (MANE Select); coding-DNA position 5593, G replaced by A.
Protein change: p.Val1865Met; replaces valine 1865 with methionine.
Molecular consequence: missense variant.
Genome position (GRCh38, 1-based): chr17:18,141,714, G>A. VCF-style: chr17-18141714-G-A. GRCh37 (hg19) VCF-style: chr17-18045028-G-A.
Other names: short protein forms V1865M.
Identifiers: ClinVar variation 3401238 (VCV003401238.3).

ClinVar aggregate classification (germline): Uncertain significance. Review status: criteria provided, multiple submitters, no conflicts (2 of 4 stars). 3 submissions from 3 submitters: Uncertain significance (3). Last evaluated 2024-12-16.

Conditions:
MYO15A-related disorder. Also called: MYO15A-related condition.
Inborn genetic diseases. Identifiers: MedGen C0950123, MeSH D030342.

gnomAD v4.1: 6 of 1,614,024 alleles (0.00037%); highest among the groups gnomAD compares: African/African-American, 0.0013%; no homozygotes.

Submissions (3):

PreventionGenetics, part of Exact Sciences
Classification: Uncertain significance for MYO15A-related condition. Last evaluated: 2024-12-16. Review status: criteria provided, single submitter. Criteria: ACMG Guidelines, 2015. Collection method: clinical testing. Allele origin: germline.
Comment: The MYO15A c.5593G>A variant is predicted to result in the amino acid substitution p.Val1865Met. To our knowledge, this variant has not been reported in the literature. This variant is reported in 0.0031% of alleles in individuals of European (Non-Finnish) descent in gnomAD. At this time, the clinical significance of this variant is uncertain due to the absence of conclusive functional and genetic evidence.

Ambry Genetics
Classification: Uncertain significance for Inborn genetic diseases. Last evaluated: 2024-10-03. Review status: criteria provided, single submitter. Criteria: Ambry Variant Classification Scheme 2023. Collection method: clinical testing. Allele origin: germline.

Blueprint Genetics
Classification: Uncertain significance. Last evaluated: 2020-07-07. Review status: criteria provided, single submitter. Criteria: ACMG Guidelines, 2015. Collection method: clinical testing. Allele origin: germline.